The following is an entry in ClinVar:

ClinVar aggregate classification (germline): Uncertain significance (1 of 4 stars; one submission).

Submission:

Labcorp Genetics (formerly Invitae), Labcorp
Classification: Uncertain significance. Last evaluated: 2022-02-25. Review status: criteria provided, single submitter. Criteria: Invitae Variant Classification Sherloc (09022015). Collection method: clinical testing. Allele origin: germline.
Comment: In summary, the available evidence is currently insufficient to determine the role of this variant in disease. Therefore, it has been classified as a Variant of Uncertain Significance. This variant has not been reported in the literature in individuals affected with MICAL1-related conditions. This variant is a gross deletion of the genomic region encompassing exon(s) 20 of the MICAL1 gene. This deletion is out-of-frame, and is expected to create a premature translational stop signal and result in an absent or disrupted protein product. However, the current clinical and genetic evidence is not sufficient to establish whether loss-of-function variants in MICAL1 cause disease.

NC_000006.11:g.(?_109766954)_(109767085_?)del

Gene: MICAL1 (microtubule associated monooxygenase, calponin and LIM domain containing 1; minus strand). Cytogenetic location: 6q21.
Variant type: Deletion.
Identifiers: ClinVar variation 2424114 (VCV002424114.4).